The following is an entry in ClinVar:

NM_012463.4(ATP6V0A2):c.2549A>G (p.Asn850Ser)

Gene: ATP6V0A2 (ATPase H+ transporting V0 subunit a2; plus strand). Cytogenetic location: 12q24.31.
Variant type: single nucleotide variant.
Coding change: c.2549A>G on transcript NM_012463.4 (MANE Select); coding-DNA position 2549, A replaced by G.
Protein change: p.Asn850Ser; replaces asparagine 850 with serine.
Molecular consequence: missense variant.
Genome position (GRCh38, 1-based): chr12:123,758,010, A>G. VCF-style: chr12-123758010-A-G. GRCh37 (hg19) VCF-style: chr12-124242557-A-G.
Other names: short protein forms N850S.
Identifiers: ClinVar variation 95522 (VCV000095522.19), dbSNP rs75279884, ClinGen allele CA148594.

ClinVar aggregate classification (germline): Benign/Likely benign. Review status: criteria provided, multiple submitters, no conflicts (2 of 4 stars). 6 submissions from 6 submitters: Benign (5); Likely benign (1). Last evaluated 2026-02-02.

Conditions:
ALG9 congenital disorder of glycosylation (CDG1L). Also called: CDG Il; ALG9-CDG; CONGENITAL DISORDER OF GLYCOSYLATION, TYPE Il. Identifiers: Orphanet 79328, MedGen C2931006, MONDO:0012117, OMIM 608776.
Cutis laxa with osteodystrophy (ARCL2A). Also called: Debré-Type Cutis Laxa; CUTIS LAXA WITH CONGENITAL DISORDER OF GLYCOSYLATION; CUTIS LAXA, AUTOSOMAL RECESSIVE, TYPE IIA; CUTIS LAXA WITH BONE DYSTROPHY; CUTIS LAXA WITH GROWTH AND DEVELOPMENTAL DELAY; CUTIS LAXA WITH JOINT LAXITY AND RETARDED DEVELOPMENT. Identifiers: Orphanet 357058, MedGen C0268355, MONDO:0018163, OMIM 219200. Disease mechanism: loss of function.

Allele frequency attached by ClinVar (database versions not stated): TOPMed 0.01168; ExAC 0.01095; gnomAD 0.01166 and 0.01097; 1000 Genomes Project 0.00459; ESP Exome Variant Server 0.01292; 1000 Genomes Project 30x 0.00515; gnomAD exomes 0.01112.
gnomAD v4.1: 25,950 of 1,612,080 alleles (1.6%); highest among the groups gnomAD compares: Non-Finnish European, 2%; 265 homozygotes.

Submissions (6):

Labcorp Genetics (formerly Invitae), Labcorp
Classification: Benign for ALG9 congenital disorder of glycosylation. Last evaluated: 2026-02-02. Review status: criteria provided, single submitter. Criteria: Invitae Variant Classification Sherloc (09022015). Collection method: clinical testing. Allele origin: germline.

Blueprint Genetics
Classification: Likely benign. Last evaluated: 2024-11-27. Review status: criteria provided, single submitter. Criteria: ACMG Guidelines, 2015. Collection method: clinical testing. Allele origin: germline.

Illumina Laboratory Services, Illumina
Classification: Benign for Cutis laxa with osteodystrophy. Last evaluated: 2018-01-12. Review status: criteria provided, single submitter. Criteria: ICSL Variant Classification Criteria 13 December 2019. Collection method: clinical testing. Allele origin: germline.
Comment: This variant was observed in the ICSL laboratory as part of a predisposition screen in an ostensibly healthy population. It had not been previously curated by ICSL or reported in the Human Gene Mutation Database (HGMD: prior to June 1st, 2018), and was therefore a candidate for classification through an automated scoring system. Utilizing variant allele frequency, disease prevalence and penetrance estimates, and inheritance mode, an automated score was calculated to assess if this variant is too frequent to cause the disease. Based on the score and internal cut-off values, a variant classified as benign is not then subjected to further curation. The score for this variant resulted in a classification of benign for this disease.

GeneDx
Classification: Benign. Last evaluated: 2016-07-12. Review status: criteria provided, single submitter. Criteria: GeneDx Variant Classification (06012015). Collection method: clinical testing. Allele origin: germline. Affected: yes.
Comment: This variant is considered likely benign or benign based on one or more of the following criteria: it is a conservative change, it occurs at a poorly conserved position in the protein, it is predicted to be benign by multiple in silico algorithms, and/or has population frequency not consistent with disease.

Eurofins Ntd Llc (ga)
Classification: Benign. Last evaluated: 2012-10-09. Review status: criteria provided, single submitter. Criteria: EGL Classification Definitions 2015. Collection method: clinical testing. Allele origin: germline. Observed: 3 variant alleles, 3 heterozygotes.

Breakthrough Genomics
Classification: Benign. Review status: criteria provided, single submitter. Criteria: ACMG Guidelines, 2015. Collection method: not provided. Allele origin: germline. Inheritance: Autosomal recessive inheritance. Affected: yes.